The following is an entry in ClinVar:

ClinVar aggregate classification (germline): Conflicting classifications of pathogenicity. Review status: criteria provided, conflicting classifications (1 of 4 stars). 2 submissions from 2 submitters: Uncertain significance (1); Likely benign (1). Last evaluated 2024-03-29.

Conditions:
Hereditary pancreatitis (PCTT). Also called: PRSS1-Related Hereditary Pancreatitis; Hereditary chronic pancreatitis. Identifiers: Orphanet 676, MedGen C0238339, MONDO:0008185, OMIM 167800.

Allele frequency attached by ClinVar (database versions not stated): gnomAD exomes below 0.00001 and 0.00001; gnomAD 0.00001; ExAC 0.00002; TOPMed 0.00002.
gnomAD v4.1: 14 of 1,612,808 alleles (0.00087%); highest among the groups gnomAD compares: East Asian, 0.0045%; no homozygotes.

Submissions (2):

Ambry Genetics
Classification: Likely benign for Hereditary pancreatitis. Last evaluated: 2024-03-29. Review status: criteria provided, single submitter. Criteria: Ambry Variant Classification Scheme 2023. Collection method: clinical testing. Allele origin: germline.

Labcorp Genetics (formerly Invitae), Labcorp
Classification: Uncertain significance for Hereditary pancreatitis. Last evaluated: 2021-08-03. Review status: criteria provided, single submitter. Criteria: Invitae Variant Classification Sherloc (09022015). Collection method: clinical testing. Allele origin: germline.
Comment: Algorithms developed to predict the effect of missense changes on protein structure and function output the following: SIFT: "Tolerated"; PolyPhen-2: "Benign"; Align-GVGD: "Class C0". The methionine amino acid residue is found in multiple mammalian species, which suggests that this missense change does not adversely affect protein function. In summary, the available evidence is currently insufficient to determine the role of this variant in disease. Therefore, it has been classified as a Variant of Uncertain Significance. This variant has not been reported in the literature in individuals affected with SPINK1-related conditions. This variant is present in population databases (rs781162491, ExAC 0.007%). This sequence change replaces valine with methionine at codon 59 of the SPINK1 protein (p.Val59Met). The valine residue is weakly conserved and there is a small physicochemical difference between valine and methionine.

NM_001379610.1(SPINK1):c.175G>A (p.Val59Met)

Gene: SPINK1 (serine peptidase inhibitor Kazal type 1; minus strand). Cytogenetic location: 5q32.
Variant type: single nucleotide variant.
Coding change: c.175G>A on transcript NM_001379610.1 (MANE Select); coding-DNA position 175, G replaced by A.
Protein change: p.Val59Met; replaces valine 59 with methionine.
Molecular consequence: missense variant.
Genome position (GRCh38, 1-based): chr5:147,828,041, C>T on the plus strand (G>A on the coding strand, the complement: SPINK1 is on the minus strand). VCF-style: chr5-147828041-C-T. GRCh37 (hg19) VCF-style: chr5-147207604-C-T.
Other names: c.175G>A, p.Val59Met (NM_001354966.2, NM_003122.5); short protein forms V59M.
Identifiers: ClinVar variation 1392176 (VCV001392176.8), dbSNP rs781162491, ClinGen allele CA3494779.